The following is an entry in ClinVar:

NM_001846.4(COL4A2):c.727-8A>G

Gene: COL4A2 (collagen type IV alpha 2 chain; plus strand). Cytogenetic location: 13q34.
Variant type: single nucleotide variant.
Coding change: c.727-8A>G on transcript NM_001846.4 (MANE Select); 8 bases into the intron before coding-DNA position 727, A replaced by G.
Molecular consequence: intron variant.
Genome position (GRCh38, 1-based): chr13:110,436,261, A>G. VCF-style: chr13-110436261-A-G. GRCh37 (hg19) VCF-style: chr13-111088608-A-G.
Identifiers: ClinVar variation 2977596 (VCV002977596.3), dbSNP rs1350722461, ClinGen allele CA612634014.

ClinVar aggregate classification (germline): Uncertain significance (1 of 4 stars; one submission).

Allele frequency attached by ClinVar (database versions not stated): gnomAD 0.00001; TOPMed 0.00001.
gnomAD v4.1: 1 of 1,613,834 alleles (0.000062%); highest among the groups gnomAD compares: African/African-American, 0.0013%; no homozygotes.

Submission:

Labcorp Genetics (formerly Invitae), Labcorp
Classification: Uncertain significance. Last evaluated: 2022-12-25. Review status: criteria provided, single submitter. Criteria: Invitae Variant Classification Sherloc (09022015). Collection method: clinical testing. Allele origin: germline.
Comment: In summary, the available evidence is currently insufficient to determine the role of this variant in disease. Therefore, it has been classified as a Variant of Uncertain Significance. Algorithms developed to predict the effect of sequence changes on RNA splicing suggest that this variant may disrupt the consensus splice site. This variant has not been reported in the literature in individuals affected with COL4A2-related conditions. This variant is present in population databases (no rsID available, gnomAD 0.01%). This sequence change falls in intron 12 of the COL4A2 gene. It does not directly change the encoded amino acid sequence of the COL4A2 protein.